The following is an entry in ClinVar:

ClinVar aggregate classification (germline): Uncertain significance. Review status: criteria provided, multiple submitters, no conflicts (2 of 4 stars). 3 submissions from 3 submitters: Uncertain significance (3). Last evaluated 2026-08-25.

Conditions:
NAF1-related disorder. Also called: NAF1-related condition.

Allele frequency attached by ClinVar (database versions not stated): ExAC 0.00003; gnomAD exomes 0.00006; ESP Exome Variant Server 0.00009.
gnomAD v4.1: 94 of 1,607,692 alleles (0.0058%); highest among the groups gnomAD compares: Non-Finnish European, 0.0076%; no homozygotes.

Submissions (3):

PreventionGenetics, part of Exact Sciences
Classification: Uncertain significance for NAF1-related condition. Last evaluated: 2026-08-25. Review status: criteria provided, single submitter. Criteria: ACMG Guidelines, 2015. Collection method: clinical testing. Allele origin: germline.
Comment: The NAF1 c.310C>G variant is predicted to result in the amino acid substitution p.Pro104Ala. To our knowledge, this variant has not been reported in the literature. This variant is reported in 0.0057% of alleles in individuals of European (Non-Finnish) descent in gnomAD. At this time, the clinical significance of this variant is uncertain due to the absence of conclusive functional and genetic evidence.

Labcorp Genetics (formerly Invitae), Labcorp
Classification: Uncertain significance. Last evaluated: 2025-07-31. Review status: criteria provided, single submitter. Criteria: Invitae Variant Classification Sherloc (09022015). Collection method: clinical testing. Allele origin: germline.
Comment: This sequence change replaces proline, which is neutral and non-polar, with alanine, which is neutral and non-polar, at codon 104 of the NAF1 protein (p.Pro104Ala). This variant is present in population databases (rs375012066, gnomAD 0.006%). This variant has not been reported in the literature in individuals affected with NAF1-related conditions. ClinVar contains an entry for this variant (Variation ID: 3173464). An algorithm developed to predict the effect of missense changes on protein structure and function (PolyPhen-2) suggests that this variant is likely to be tolerated. In summary, the available evidence is currently insufficient to determine the role of this variant in disease. Therefore, it has been classified as a Variant of Uncertain Significance.

Ambry Genetics
Classification: Uncertain significance. Last evaluated: 2024-01-03. Review status: criteria provided, single submitter. Criteria: Ambry Variant Classification Scheme 2023. Collection method: clinical testing. Allele origin: germline.

NM_138386.3(NAF1):c.310C>G (p.Pro104Ala)

Gene: NAF1 (nuclear assembly factor 1 ribonucleoprotein; minus strand). Cytogenetic location: 4q32.2.
Variant type: single nucleotide variant.
Coding change: c.310C>G on transcript NM_138386.3 (MANE Select); coding-DNA position 310, C replaced by G.
Protein change: p.Pro104Ala; replaces proline 104 with alanine.
Molecular consequence: missense variant.
Genome position (GRCh38, 1-based): chr4:163,166,418, G>C on the plus strand (C>G on the coding strand, the complement: NAF1 is on the minus strand). VCF-style: chr4-163166418-G-C. GRCh37 (hg19) VCF-style: chr4-164087570-G-C.
Other names: c.310C>G, p.Pro104Ala (NM_001128931.2); short protein forms P104A.
Identifiers: ClinVar variation 3173464 (VCV003173464.4), dbSNP rs375012066, ClinGen allele CA3126419.